The following is an entry in ClinVar:

NM_004364.5(CEBPA):c.1004T>C (p.Leu335Pro)

Gene: CEBPA (CCAAT enhancer binding protein alpha; minus strand). Cytogenetic location: 19q13.11.
Variant type: single nucleotide variant.
Coding change: c.1004T>C on transcript NM_004364.5 (MANE Select); coding-DNA position 1004, T replaced by C.
Protein change: p.Leu335Pro; replaces leucine 335 with proline.
Molecular consequence: missense variant.
Genome position (GRCh38, 1-based): chr19:33,301,411, A>G on the plus strand (T>C on the coding strand, the complement: CEBPA is on the minus strand). VCF-style: chr19-33301411-A-G. GRCh37 (hg19) VCF-style: chr19-33792317-A-G.
Other names: c.647T>C, p.Leu216Pro (NM_001285829.2); c.1109T>C, p.Leu370Pro (NM_001287424.2); c.962T>C, p.Leu321Pro (NM_001287435.2); short protein forms L335P, L370P, L216P, L321P.
Identifiers: ClinVar variation 5034323 (VCV005034323.1).
Genomic context (GRCh38, chr19:33,301,411, plus strand): 5'-CCCATGGCCTTGACCAAGGAGCTCTCTGGCAGCTGGCGGAAGATGCCCCGCAGCGTGTCC[A>G]GTTCGCGGCTCAGCTGTTCCACCCGCTTGCGCAGGCGGTCATTGTCACTGGTCAGCTCCA-3'
Protein context (NP_004355.2, residues 325-345): RKRVEQLSRE[Leu335Pro]DTLRGIFRQL

ClinVar aggregate classification (germline): Uncertain significance (1 of 4 stars; one submission).

Conditions:
Inborn genetic diseases. Identifiers: MedGen C0950123, MeSH D030342.

Submission:

Ambry Genetics
Classification: Uncertain significance for Inborn genetic diseases. Last evaluated: 2026-09-09. Review status: criteria provided, single submitter. Criteria: Ambry Variant Classification Scheme 2023. Collection method: clinical testing. Allele origin: germline.
Comment: The p.L335P variant (also known as c.1004T>C), located in coding exon 1 of the CEBPA gene, results from a T to C substitution at nucleotide position 1004. The leucine at codon 335 is replaced by proline, an amino acid with similar properties. This amino acid position is highly conserved in available vertebrate species. In addition, this alteration is predicted to be deleterious by in silico analysis. Based on the available evidence, the clinical significance of this variant remains unclear.